The following is an entry in ClinVar:

ClinVar aggregate classification (germline): Benign/Likely benign. Review status: criteria provided, multiple submitters, no conflicts (2 of 4 stars). 5 submissions from 5 submitters: Benign (3); Likely benign (2). Last evaluated 2026-09-01.

Allele frequency attached by ClinVar (database versions not stated): 1000 Genomes Project 0.00300; 1000 Genomes Project 30x 0.00344; TOPMed 0.00634; ESP Exome Variant Server 0.00725; ExAC 0.00844; gnomAD 0.00856 and 0.00881; gnomAD exomes 0.00871 and 0.01025.
gnomAD v4.1: 16,248 of 1,613,540 alleles (1%); highest among the groups gnomAD compares: Non-Finnish European, 1.1%; 132 homozygotes.

Submissions (5):

CeGaT Center for Human Genetics Tuebingen
Classification: Benign. Last evaluated: 2026-09-01. Review status: criteria provided, single submitter. Criteria: CeGaT Center For Human Genetics Tuebingen Variant Classification Criteria Version 2. Collection method: clinical testing. Allele origin: germline. Affected: yes. Observed: 48 variant alleles.
Comment: ATP8A2: BP4, BS1, BS2

Labcorp Genetics (formerly Invitae), Labcorp
Classification: Benign. Last evaluated: 2026-02-01. Review status: criteria provided, single submitter. Criteria: Invitae Variant Classification Sherloc (09022015). Collection method: clinical testing. Allele origin: germline.

Mayo Clinic Laboratories, Mayo Clinic
Classification: Benign. Last evaluated: 2023-05-26. Review status: criteria provided, single submitter. Criteria: ACMG Guidelines, 2015. Collection method: clinical testing. Allele origin: germline. Observed: 8 variant alleles.
Comment: BA1, BP4

Center for Pediatric Genomic Medicine, Children's Mercy Hospital and Clinics
Classification: Likely benign. Last evaluated: 2016-11-16. Review status: criteria provided, single submitter. Criteria: ACMG Guidelines, 2015. Collection method: clinical testing. Allele origin: germline.
ClinVar note: Converted during submission from Likely Benign to Likely benign.

Breakthrough Genomics
Classification: Likely benign. Review status: criteria provided, single submitter. Criteria: ACMG Guidelines, 2015. Collection method: not provided. Allele origin: germline. Inheritance: Autosomal recessive inheritance. Affected: yes.

NM_016529.6(ATP8A2):c.2278G>A (p.Val760Met)

Gene: ATP8A2 (ATPase phospholipid transporting 8A2). Cytogenetic location: 13q12.13.
Variant type: single nucleotide variant.
Coding change: c.2278G>A on transcript NM_016529.6 (MANE Select); coding-DNA position 2278, G replaced by A.
Protein change: p.Val760Met; replaces valine 760 with methionine.
Molecular consequence: missense variant.
Genome position (GRCh38, 1-based): chr13:25,699,239, G>A. VCF-style: chr13-25699239-G-A. GRCh37 (hg19) VCF-style: chr13-26273377-G-A.
Other names: p.Val760Met; c.2158G>A, p.Val720Met (NM_001313741.1); short protein forms V760M, V720M.
Identifiers: ClinVar variation 376887 (VCV000376887.41), dbSNP rs35540339, ClinGen allele CA6923269.